The following is an entry in ClinVar:

ClinVar aggregate classification (germline): Uncertain significance. Review status: criteria provided, multiple submitters, no conflicts (2 of 4 stars). 3 submissions from 3 submitters: Uncertain significance (3). Last evaluated 2018-10-31.

Conditions:
Rolandic epilepsy, impaired intellectual development, and speech dyspraxia, X-linked. Also called: Rolandic epilepsy, intellectual disability, and speech dyspraxia, X-linked; Rolandic epilepsy, impaired intellectual development, and speech dyspraxia. Identifiers: MedGen C1845070, MONDO:0010388, OMIM 300643.

Allele frequency attached by ClinVar (database versions not stated): gnomAD 0.00001; TOPMed 0.00001; gnomAD exomes 0.00001.
gnomAD v4.1: 5 of 1,209,072 alleles (0.00041%); highest among the groups gnomAD compares: Non-Finnish European, 0.00056%; no homozygotes.

Submissions (3):

Fulgent Genetics
Classification: Uncertain significance for Rolandic epilepsy, impaired intellectual development, and speech dyspraxia, X-linked. Last evaluated: 2018-10-31. Review status: criteria provided, single submitter. Criteria: ACMG Guidelines, 2015. Collection method: clinical testing. Allele origin: unknown.

Labcorp Genetics (formerly Invitae), Labcorp
Classification: Uncertain significance for Rolandic epilepsy, impaired intellectual development, and speech dyspraxia, X-linked. Last evaluated: 2017-01-24. Review status: criteria provided, single submitter. Criteria: Invitae Variant Classification Sherloc (09022015). Collection method: clinical testing. Allele origin: germline.
Comment: This sequence change replaces tryptophan with cysteine at codon 58 of the SRPX2 protein (p.Trp58Cys). The tryptophan residue is highly conserved and there is a large physicochemical difference between tryptophan and cysteine. This variant is not present in population databases (ExAC no frequency) and has not been reported in the literature in individuals with an SRPX2-related disease. Algorithms developed to predict the effect of missense changes on protein structure and function (SIFT, PolyPhen-2, Align-GVGD) all suggest that this variant is likely to be disruptive, but these predictions have not been confirmed by published functional studies. In summary, this variant is a novel missense change with uncertain impact on protein function. It has been classified as a Variant of Uncertain Significance.

Breakthrough Genomics
Classification: Uncertain significance. Review status: criteria provided, single submitter. Criteria: ACMG Guidelines, 2015. Collection method: not provided. Allele origin: germline. Inheritance: Unknown mechanism. Affected: yes.

NM_014467.3(SRPX2):c.174G>C (p.Trp58Cys)

Gene: SRPX2 (sushi repeat containing protein X-linked 2; plus strand). Cytogenetic location: Xq22.1.
Variant type: single nucleotide variant.
Coding change: c.174G>C on transcript NM_014467.3 (MANE Select); coding-DNA position 174, G replaced by C.
Protein change: p.Trp58Cys; replaces tryptophan 58 with cysteine.
Molecular consequence: missense variant.
Genome position (GRCh38, 1-based): chrX:100,662,186, G>C. VCF-style: chrX-100662186-G-C. GRCh37 (hg19) VCF-style: chrX-99917183-G-C.
Other names: short protein forms W58C.
Identifiers: ClinVar variation 465067 (VCV000465067.3), dbSNP rs1354537844, ClinGen allele CA413929445.